The following is an entry in ClinVar:

NM_001323289.2(CDKL5):c.2713G>A (p.Gly905Ser)

Gene: CDKL5 (cyclin dependent kinase like 5; plus strand). Cytogenetic location: Xp22.13.
Variant type: single nucleotide variant.
Coding change: c.2713G>A on transcript NM_001323289.2 (MANE Select); coding-DNA position 2713, G replaced by A.
Protein change: p.Gly905Ser; replaces glycine 905 with serine.
Molecular consequence: missense variant.
Genome position (GRCh38, 1-based): chrX:18,628,587, G>A. VCF-style: chrX-18628587-G-A. GRCh37 (hg19) VCF-style: chrX-18646707-G-A.
Other names: c.2713G>A, p.Asp905Asn (NM_001037343.2, NM_003159.3); short protein forms G905S, D905N.
Identifiers: ClinVar variation 2150555 (VCV002150555.4), dbSNP rs2518899215, ClinGen allele CA412368296.

ClinVar aggregate classification (germline): Uncertain significance (1 of 4 stars; one submission).

Conditions:
Developmental and epileptic encephalopathy, 2 (DEE2). Also called: INFANTILE SPASM SYNDROME, X-LINKED 2; CDKL5 deficiency disorder. Identifiers: Orphanet 1934, Orphanet 3451, Orphanet 505652, MedGen C4750718, MONDO:0010396, OMIM 300672.
Angelman syndrome-like. Identifiers: MedGen CN128785.

Submission:

Labcorp Genetics (formerly Invitae), Labcorp
Classification: Uncertain significance for Developmental and epileptic encephalopathy, 2; Angelman syndrome-like. Last evaluated: 2024-10-28. Review status: criteria provided, single submitter. Criteria: Invitae Variant Classification Sherloc (09022015). Collection method: clinical testing. Allele origin: germline.
Comment: This sequence change replaces aspartic acid, which is acidic and polar, with asparagine, which is neutral and polar, at codon 905 of the CDKL5 protein (p.Asp905Asn). This variant also falls at the last nucleotide of exon 18, which is part of the consensus splice site for this exon. This variant is not present in population databases (gnomAD no frequency). This variant has not been reported in the literature in individuals affected with CDKL5-related conditions. ClinVar contains an entry for this variant (Variation ID: 2150555). An algorithm developed to predict the effect of missense changes on protein structure and function (PolyPhen-2) suggests that this variant is likely to be tolerated. Variants that disrupt the consensus splice site are a relatively common cause of aberrant splicing (PMID: 17576681, 9536098). Algorithms developed to predict the effect of sequence changes on RNA splicing suggest that this variant may disrupt the consensus splice site. In summary, the available evidence is currently insufficient to determine the role of this variant in disease. Therefore, it has been classified as a Variant of Uncertain Significance.

Literature cited by the submitters: PubMed 17576681; PubMed 9536098.